The following is an entry in ClinVar:

ClinVar aggregate classification (germline): Uncertain significance (1 of 4 stars; one submission).

Submission:

Labcorp Genetics (formerly Invitae), Labcorp
Classification: Uncertain significance. Last evaluated: 2022-07-06. Review status: criteria provided, single submitter. Criteria: Invitae Variant Classification Sherloc (09022015). Collection method: clinical testing. Allele origin: germline.
Comment: In summary, the available evidence is currently insufficient to determine the role of this variant in disease. Therefore, it has been classified as a Variant of Uncertain Significance. Algorithms developed to predict the effect of missense changes on protein structure and function (SIFT, PolyPhen-2, Align-GVGD) all suggest that this variant is likely to be disruptive. This variant has not been reported in the literature in individuals affected with RIMS1-related conditions. This variant is not present in population databases (gnomAD no frequency). This sequence change replaces proline, which is neutral and non-polar, with threonine, which is neutral and polar, at codon 579 of the RIMS1 protein (p.Pro579Thr).

NM_014989.7(RIMS1):c.1735C>A (p.Pro579Thr)

Gene: RIMS1 (regulating synaptic membrane exocytosis 1; plus strand). Cytogenetic location: 6q13.
Variant type: single nucleotide variant.
Coding change: c.1735C>A on transcript NM_014989.7 (MANE Select); coding-DNA position 1735, C replaced by A.
Protein change: p.Pro579Thr; replaces proline 579 with threonine.
Molecular consequence: missense variant. On other transcripts: 5 prime UTR variant (9).
Genome position (GRCh38, 1-based): chr6:72,233,829, C>A. VCF-style: chr6-72233829-C-A. GRCh37 (hg19) VCF-style: chr6-72943532-C-A.
Other names: c.157C>A, p.Pro53Thr (NM_001168407.2, NM_001168408.2, NM_001350414.2 and 37 more transcripts); c.-87C>A (NM_001168409.2, NM_001350461.2, NM_001350463.2 and 6 more transcripts); c.112C>A, p.Pro38Thr (NM_001168410.2, NM_001350470.2, NM_001350472.2 and 2 more transcripts); c.88C>A, p.Pro30Thr (NM_001350421.2, NM_001350424.2, NM_001350428.2 and 6 more transcripts); short protein forms P53T, P579T, P30T, P38T.
Identifiers: ClinVar variation 2114751 (VCV002114751.4), dbSNP rs1435336209, ClinGen allele CA364823440.